The following is an entry in ClinVar:

NM_004281.4(BAG3):c.720C>G (p.Tyr240Ter)

Gene: BAG3 (BAG cochaperone 3; plus strand). Cytogenetic location: 10q26.11.
Variant type: single nucleotide variant.
Coding change: c.720C>G on transcript NM_004281.4 (MANE Select); coding-DNA position 720, C replaced by G.
Protein change: p.Tyr240Ter; replaces tyrosine 240 with a stop codon.
Molecular consequence: nonsense.
Genome position (GRCh38, 1-based): chr10:119,672,467, C>G. VCF-style: chr10-119672467-C-G. GRCh37 (hg19) VCF-style: chr10-121431979-C-G.
Other names: short protein forms Y240*.
Identifiers: ClinVar variation 2088458 (VCV002088458.4), dbSNP rs2494014139, ClinGen allele CA378295660.

ClinVar aggregate classification (germline): Pathogenic (1 of 4 stars; one submission).

Conditions:
Dilated cardiomyopathy 1HH (CMD1HH). Identifiers: Orphanet 154, MedGen C3151293, MONDO:0013479, OMIM 613881.
Myofibrillar myopathy 6. Identifiers: Orphanet 199340, MedGen C2751831, MONDO:0013061, OMIM 612954.

Submission:

Labcorp Genetics (formerly Invitae), Labcorp
Classification: Pathogenic for Dilated cardiomyopathy 1HH; Myofibrillar myopathy 6. Last evaluated: 2022-01-21. Review status: criteria provided, single submitter. Criteria: Invitae Variant Classification Sherloc (09022015). Collection method: clinical testing. Allele origin: germline.
Comment: This sequence change creates a premature translational stop signal (p.Tyr240*) in the BAG3 gene. It is expected to result in an absent or disrupted protein product. Loss-of-function variants in BAG3 are known to be pathogenic (PMID: 21353195, 25008357). This variant is not present in population databases (gnomAD no frequency). This variant has not been reported in the literature in individuals affected with BAG3-related conditions. For these reasons, this variant has been classified as Pathogenic.

Literature cited by the submitters: PubMed 21353195; PubMed 25008357.